The following is an entry in ClinVar:

NM_023110.3(FGFR1):c.1039A>G (p.Ile347Val)

Gene: FGFR1 (fibroblast growth factor receptor 1; minus strand). Cytogenetic location: 8p11.23.
Variant type: single nucleotide variant.
Coding change: c.1039A>G on transcript NM_023110.3 (MANE Select); coding-DNA position 1039, A replaced by G.
Protein change: p.Ile347Val; replaces isoleucine 347 with valine.
Molecular consequence: missense variant.
Genome position (GRCh38, 1-based): chr8:38,421,839, T>C on the plus strand (A>G on the coding strand, the complement: FGFR1 is on the minus strand). VCF-style: chr8-38421839-T-C. GRCh37 (hg19) VCF-style: chr8-38279357-T-C.
Other names: c.1039A>G, p.Ile347Val (NM_001174063.2); c.1015A>G, p.Ile339Val (NM_001174064.2); c.1033A>G, p.Ile345Val (NM_001174065.2, NM_001354367.2, NM_001354369.2 and 2 more transcripts); c.772A>G, p.Ile258Val (NM_001174066.2, NM_023105.3); c.1132A>G, p.Ile378Val (NM_001174067.2); c.766A>G, p.Ile256Val (NM_001354368.2, NM_001354370.2, NM_023106.3); short protein forms I345V, I339V, I256V, I258V, I347V, I378V.
Identifiers: ClinVar variation 3595606 (VCV003595606.2).

ClinVar aggregate classification (germline): Uncertain significance. Review status: criteria provided, multiple submitters, no conflicts (2 of 4 stars). 2 submissions from 2 submitters: Uncertain significance (2). Last evaluated 2025-03-05.

Conditions:
Hypogonadotropic hypogonadism 2 with or without anosmia (HH2). Also called: HYPOGONADOTROPIC HYPOGONADISM 2 WITHOUT ANOSMIA; HYPOGONADOTROPIC HYPOGONADISM 2 WITH OR WITHOUT ANOSMIA, SUSCEPTIBILITY TO; HYPOGONADOTROPIC HYPOGONADISM 2 WITHOUT ANOSMIA, SUSCEPTIBILITY TO; FGFR1-Related GnRH Deficiency (Kallmann Syndrome 2). Identifiers: Orphanet 478, MedGen C1563720, MONDO:0007844, OMIM 147950. Disease mechanism: loss of function.
Pfeiffer syndrome (ACS5). Also called: ACS V. Identifiers: Orphanet 710, MedGen C0220658, MONDO:0007043, OMIM 101600.
Jackson-Weiss syndrome (JWS). Also called: CRANIOSYNOSTOSIS, MIDFACIAL HYPOPLASIA, AND FOOT ABNORMALITIES. Identifiers: Orphanet 1540, MedGen C0795998, MONDO:0007400, OMIM 123150. Disease mechanism: loss of function.
Hartsfield-Bixler-Demyer syndrome (HRTFDS). Also called: Hartsfield syndrome; Holoprosencephaly, ectrodactyly, and bilateral cleft lip/palate; FGFR1-Related Hartsfield Syndrome. Identifiers: Orphanet 2117, MedGen C1845146, MONDO:0014196, OMIM 615465. Disease mechanism: loss of function.
Encephalocraniocutaneous lipomatosis (ECCL). Identifiers: Orphanet 2396, MedGen C0406612, MONDO:0013074, OMIM 613001.
Osteoglophonic dysplasia (OGD). Also called: Osteoglophonic dwarfism. Identifiers: Orphanet 2645, MedGen C0432283, MONDO:0008150, OMIM 166250.
Trigonocephaly 1 (TRIGNO1). Identifiers: Orphanet 3366, MedGen C0432122, MONDO:0008603, OMIM 190440.

gnomAD v4.1: 4 of 1,613,900 alleles (0.00025%); highest among the groups gnomAD compares: African/African-American, 0.0013%; no homozygotes.

Submissions (2):

Labcorp Genetics (formerly Invitae), Labcorp
Classification: Uncertain significance for Pfeiffer syndrome; Hypogonadotropic hypogonadism 2 with or without anosmia. Last evaluated: 2025-03-05. Review status: criteria provided, single submitter. Criteria: Invitae Variant Classification Sherloc (09022015). Collection method: clinical testing. Allele origin: germline.
Comment: This sequence change replaces isoleucine, which is neutral and non-polar, with valine, which is neutral and non-polar, at codon 347 of the FGFR1 protein (p.Ile347Val). This variant is present in population databases (no rsID available, gnomAD 0.002%). This variant has not been reported in the literature in individuals affected with FGFR1-related conditions. ClinVar contains an entry for this variant (Variation ID: 3595606). Invitae Evidence Modeling of protein sequence and biophysical properties (such as structural, functional, and spatial information, amino acid conservation, physicochemical variation, residue mobility, and thermodynamic stability) indicates that this missense variant is not expected to disrupt FGFR1 protein function with a negative predictive value of 80%. In summary, the available evidence is currently insufficient to determine the role of this variant in disease. Therefore, it has been classified as a Variant of Uncertain Significance.

Fulgent Genetics
Classification: Uncertain significance for Pfeiffer syndrome; Jackson-Weiss syndrome; Hypogonadotropic hypogonadism 2 with or without anosmia; Osteoglophonic dysplasia; Trigonocephaly 1; Encephalocraniocutaneous lipomatosis; Hartsfield-Bixler-Demyer syndrome. Last evaluated: 2024-02-14. Review status: criteria provided, single submitter. Criteria: ACMG Guidelines, 2015. Collection method: clinical testing. Allele origin: germline.